The following is an entry in ClinVar:

ClinVar aggregate classification (germline): Uncertain significance. Review status: criteria provided, multiple submitters, no conflicts (2 of 4 stars). 2 submissions from 2 submitters: Uncertain significance (2). Last evaluated 2023-03-15.

Conditions:
Developmental and epileptic encephalopathy, 9 (DEE9). Also called: JUBERG-HELLMAN SYNDROME; EPILEPSY, FEMALE-RESTRICTED, WITH MENTAL RETARDATION; Early infantile epileptic encephalopathy 9; PCDH19-Related X-Linked Female-Limited Epilepsy with Mental Retardation. Identifiers: Orphanet 101039, Orphanet 2076, MedGen C1848137, MONDO:0010246, OMIM 300088. Disease mechanism: loss of function.

Submissions (2):

GeneDx
Classification: Uncertain significance. Last evaluated: 2023-03-15. Review status: criteria provided, single submitter. Criteria: GeneDx Variant Classification Process June 2021. Collection method: clinical testing. Allele origin: germline. Affected: yes.
Comment: Not observed at significant frequency in large population cohorts (gnomAD); Missense variants in this gene are often considered pathogenic (HGMD); In silico analysis supports that this missense variant does not alter protein structure/function; Has not been previously published as pathogenic or benign to our knowledge

Labcorp Genetics (formerly Invitae), Labcorp
Classification: Uncertain significance for Developmental and epileptic encephalopathy, 9. Last evaluated: 2022-07-15. Review status: criteria provided, single submitter. Criteria: Invitae Variant Classification Sherloc (09022015). Collection method: clinical testing. Allele origin: germline.
Comment: This sequence change replaces aspartic acid, which is acidic and polar, with glycine, which is neutral and non-polar, at codon 606 of the PCDH19 protein (p.Asp606Gly). This variant is not present in population databases (gnomAD no frequency). This variant has not been reported in the literature in individuals affected with PCDH19-related conditions. ClinVar contains an entry for this variant (Variation ID: 1197852). Advanced modeling of protein sequence and biophysical properties (such as structural, functional, and spatial information, amino acid conservation, physicochemical variation, residue mobility, and thermodynamic stability) performed at Invitae indicates that this missense variant is not expected to disrupt PCDH19 protein function. In summary, the available evidence is currently insufficient to determine the role of this variant in disease. Therefore, it has been classified as a Variant of Uncertain Significance.

NM_001184880.2(PCDH19):c.1817A>G (p.Asp606Gly)

Gene: PCDH19 (protocadherin 19; minus strand). Cytogenetic location: Xq22.1.
Variant type: single nucleotide variant.
Coding change: c.1817A>G on transcript NM_001184880.2 (MANE Select); coding-DNA position 1817, A replaced by G.
Protein change: p.Asp606Gly; replaces aspartic acid 606 with glycine.
Molecular consequence: missense variant.
Genome position (GRCh38, 1-based): chrX:100,406,781, T>C on the plus strand (A>G on the coding strand, the complement: PCDH19 is on the minus strand). VCF-style: chrX-100406781-T-C. GRCh37 (hg19) VCF-style: chrX-99661779-T-C.
Other names: c.1817A>G, p.Asp606Gly (NM_001105243.2, NM_020766.3); short protein forms D606G.
Identifiers: ClinVar variation 1197852 (VCV001197852.8), dbSNP rs2147537779, ClinGen allele CA414001908.